The following is an entry in ClinVar:

NM_018942.3(HMX1):c.545T>G (p.Leu182Arg)

Gene: HMX1 (H6 family homeobox 1; minus strand). Cytogenetic location: 4p16.1.
Variant type: single nucleotide variant.
Coding change: c.545T>G on transcript NM_018942.3 (MANE Select); coding-DNA position 545, T replaced by G.
Protein change: p.Leu182Arg; replaces leucine 182 with arginine.
Molecular consequence: missense variant. On other transcripts: intron variant (1).
Genome position (GRCh38, 1-based): chr4:8,868,195, A>C on the plus strand (T>G on the coding strand, the complement: HMX1 is on the minus strand). VCF-style: chr4-8868195-A-C. GRCh37 (hg19) VCF-style: chr4-8869921-A-C.
Other names: c.394+3026T>G (NM_001306142.2); short protein forms L182R.
Identifiers: ClinVar variation 1408439 (VCV001408439.6), dbSNP rs1289784753, ClinGen allele CA356278331.

ClinVar aggregate classification (germline): Uncertain significance (1 of 4 stars; one submission).

Allele frequency attached by ClinVar (database versions not stated): gnomAD 0.00001; gnomAD exomes 0.00001.
gnomAD v4.1: 3 of 1,478,394 alleles (0.0002%); highest among the groups gnomAD compares: Admixed American, 0.0022%; no homozygotes.

Submission:

Labcorp Genetics (formerly Invitae), Labcorp
Classification: Uncertain significance. Last evaluated: 2022-03-26. Review status: criteria provided, single submitter. Criteria: Invitae Variant Classification Sherloc (09022015). Collection method: clinical testing. Allele origin: germline.
Comment: In summary, the available evidence is currently insufficient to determine the role of this variant in disease. Therefore, it has been classified as a Variant of Uncertain Significance. Algorithms developed to predict the effect of missense changes on protein structure and function are either unavailable or do not agree on the potential impact of this missense change (SIFT: "Deleterious"; PolyPhen-2: "Possibly Damaging"; Align-GVGD: "Class C0"). This variant has not been reported in the literature in individuals affected with HMX1-related conditions. This variant is present in population databases (no rsID available, gnomAD 0.006%). This sequence change replaces leucine, which is neutral and non-polar, with arginine, which is basic and polar, at codon 182 of the HMX1 protein (p.Leu182Arg).